The following is an entry in ClinVar:

ClinVar aggregate classification (germline): Benign/Likely benign. Review status: criteria provided, multiple submitters, no conflicts (2 of 4 stars). 4 submissions from 4 submitters: Benign (3); Likely benign (1). Last evaluated 2026-01-26.

Allele frequency attached by ClinVar (database versions not stated): 1000 Genomes Project 30x 0.00999; 1000 Genomes Project 0.01058; TOPMed 0.01843; gnomAD 0.01923 and 0.01966; gnomAD exomes 0.02119; ESP Exome Variant Server 0.02141; ExAC 0.02192.
gnomAD v4.1: 39,797 of 1,603,164 alleles (2.5%); highest among the groups gnomAD compares: Non-Finnish European, 2.8%; 575 homozygotes.

Submissions (4):

Labcorp Genetics (formerly Invitae), Labcorp
Classification: Benign. Last evaluated: 2026-01-26. Review status: criteria provided, single submitter. Criteria: Invitae Variant Classification Sherloc (09022015). Collection method: clinical testing. Allele origin: germline.

Blueprint Genetics
Classification: Likely benign. Last evaluated: 2024-11-26. Review status: criteria provided, single submitter. Criteria: ACMG Guidelines, 2015. Collection method: clinical testing. Allele origin: germline.

Mayo Clinic Laboratories, Mayo Clinic
Classification: Benign. Last evaluated: 2023-04-20. Review status: criteria provided, single submitter. Criteria: ACMG Guidelines, 2015. Collection method: clinical testing. Allele origin: germline. Observed: 26 variant alleles.
Comment: BS1, BS2, BP4

GeneDx
Classification: Benign. Last evaluated: 2019-11-11. Review status: criteria provided, single submitter. Criteria: GeneDx Variant Classification Process June 2021. Collection method: clinical testing. Allele origin: germline. Affected: yes.

NM_153816.6(SNX14):c.907A>C (p.Ser303Arg)

Gene: SNX14 (sorting nexin 14; minus strand). Cytogenetic location: 6q14.3.
Variant type: single nucleotide variant.
Coding change: c.907A>C on transcript NM_153816.6 (MANE Select); coding-DNA position 907, A replaced by C.
Protein change: p.Ser303Arg; replaces serine 303 with arginine.
Molecular consequence: missense variant. On other transcripts: 5 prime UTR variant (7), non-coding transcript variant (6).
Genome position (GRCh38, 1-based): chr6:85,547,511, T>G on the plus strand (A>C on the coding strand, the complement: SNX14 is on the minus strand). VCF-style: chr6-85547511-T-G. GRCh37 (hg19) VCF-style: chr6-86257229-T-G.
Other names: p.Ser303Arg; c.907A>C, p.Ser303Arg (NM_001350541.2, NM_001297614.3, NM_001350540.2); c.619A>C, p.Ser207Arg (NM_001350542.2); c.616A>C, p.Ser206Arg (NM_001350543.2); c.607A>C, p.Ser203Arg (NM_001350544.2); c.463A>C, p.Ser155Arg (NM_001350545.2, NM_001350546.2); c.-144A>C (NM_001350547.2); c.-245A>C (NM_001350548.2, NM_001350549.2, NM_001350550.2 and 2 more transcripts); and 8 more; short protein forms S155R, S203R, S206R, S207R, S250R, S251R, S255R, S258R.
Identifiers: ClinVar variation 1221844 (VCV001221844.10), dbSNP rs41271629, ClinGen allele CA3912290.